The following is an entry in ClinVar:

NM_001384140.1(PCDH15):c.1357_1358del (p.Thr453fs)

Gene: PCDH15 (protocadherin related 15; minus strand). Cytogenetic location: 10q21.1.
Variant type: Deletion.
Coding change: c.1357_1358del on transcript NM_001384140.1 (MANE Select); coding-DNA positions 1357 to 1358, 2 bases deleted (AC; older notation c.1357_1358delAC).
Protein change: p.Thr453fs; shifts the reading frame from threonine 453.
Molecular consequence: frameshift variant.
Genome position (GRCh38, 1-based): chr10:54,185,216-54,185,217, GT deleted on the plus strand (AC on the coding strand, the reverse complement: PCDH15 is on the minus strand); deleting any 2 consecutive bases within chr10:54,185,216-54,185,218 gives the same sequence; the c. name uses the placement nearest the transcript's 3' end. VCF-style (leftmost placement, unchanged base first): chr10-54185215-GGT-G. GRCh37 (hg19) VCF-style: chr10-55944975-GGT-G.
Other names: c.1357_1358del, p.Thr453fs (NM_033056.4, NM_001142764.2, NM_001142765.2 and 6 more transcripts); c.1372_1373del, p.Thr458fs (NM_001142763.2, NM_001142771.2); c.1246_1247del, p.Thr416fs (NM_001142767.2); c.1291_1292del, p.Thr431fs (NM_001142768.2, NM_001142773.2, NM_001354404.2); c.1392_1393delCA, p.Thr465Argfs (NM_001142769.4); c.1378_1379del, p.Thr460fs (NM_001354411.2); short protein forms T460fs, T465fs, T431fs, T416fs, T453fs, T458fs.
Identifiers: ClinVar variation 1393361 (VCV001393361.6), dbSNP rs2133818115, ClinGen allele CA2573145144.

ClinVar aggregate classification (germline): Pathogenic (1 of 4 stars; one submission).

Submission:

Labcorp Genetics (formerly Invitae), Labcorp
Classification: Pathogenic. Last evaluated: 2021-01-15. Review status: criteria provided, single submitter. Criteria: Invitae Variant Classification Sherloc (09022015). Collection method: clinical testing. Allele origin: germline.
Comment: For these reasons, this variant has been classified as Pathogenic. This variant has not been reported in the literature in individuals with PCDH15-related conditions. This variant is not present in population databases (ExAC no frequency). This sequence change creates a premature translational stop signal (p.Thr453Argfs*32) in the PCDH15 gene. It is expected to result in an absent or disrupted protein product. Loss-of-function variants in PCDH15 are known to be pathogenic (PMID: 11398101, 11487575, 14570705).

Literature cited by the submitters: PubMed 11398101; PubMed 11487575; PubMed 14570705.